The following is an entry in ClinVar:

ClinVar aggregate classification (germline): Uncertain significance (1 of 4 stars; one submission).

Allele frequency attached by ClinVar (database versions not stated): ExAC 0.00001; TOPMed 0.00002.
gnomAD v4.1: 7 of 1,606,320 alleles (0.00044%); highest among the groups gnomAD compares: Non-Finnish European, 0.00051%; no homozygotes.

Submission:

Labcorp Genetics (formerly Invitae), Labcorp
Classification: Uncertain significance. Last evaluated: 2023-09-27. Review status: criteria provided, single submitter. Criteria: Invitae Variant Classification Sherloc (09022015). Collection method: clinical testing. Allele origin: germline.
Comment: This sequence change replaces arginine, which is basic and polar, with glycine, which is neutral and non-polar, at codon 58 of the SCO2 protein (p.Arg58Gly). This variant is present in population databases (rs745534256, gnomAD 0.002%). This variant has not been reported in the literature in individuals affected with SCO2-related conditions. An algorithm developed to predict the effect of missense changes on protein structure and function (PolyPhen-2) suggests that this variant is likely to be tolerated. In summary, the available evidence is currently insufficient to determine the role of this variant in disease. Therefore, it has been classified as a Variant of Uncertain Significance.

NM_005138.3(SCO2):c.172C>G (p.Arg58Gly)

Genes: NCAPH2 (non-SMC condensin II complex subunit H2; plus strand), SCO2 (synthesis of cytochrome C oxidase 2; minus strand). Cytogenetic location: 22q13.33.
Variant type: single nucleotide variant.
Coding change: c.172C>G on transcript NM_005138.3 (MANE Select); coding-DNA position 172, C replaced by G.
Protein change: p.Arg58Gly; replaces arginine 58 with glycine.
Molecular consequence: missense variant. On other transcripts: 3 prime UTR variant (2).
Genome position (GRCh38, 1-based): chr22:50,524,240, G>C on the plus strand (C>G on the coding strand, the complement: SCO2 is on the minus strand). VCF-style: chr22-50524240-G-C. GRCh37 (hg19) VCF-style: chr22-50962669-G-C.
Other names: c.*865G>C (NM_001185011.2, NM_152299.4); c.172C>G, p.Arg58Gly (NM_001169109.2, NM_001169110.1, NM_001169111.2); short protein forms R58G.
Identifiers: ClinVar variation 2796876 (VCV002796876.3), dbSNP rs745534256, ClinGen allele CA10321281.